The following is an entry in ClinVar:

NM_003060.4(SLC22A5):c.352G>T (p.Glu118Ter)

Gene: SLC22A5 (solute carrier family 22 member 5; plus strand). Cytogenetic location: 5q31.1.
Variant type: single nucleotide variant.
Coding change: c.352G>T on transcript NM_003060.4 (MANE Select); coding-DNA position 352, G replaced by T.
Protein change: p.Glu118Ter; replaces glutamic acid 118 with a stop codon.
Molecular consequence: nonsense.
Genome position (GRCh38, 1-based): chr5:132,370,324, G>T. VCF-style: chr5-132370324-G-T. GRCh37 (hg19) VCF-style: chr5-131706016-G-T.
Other names: c.352G>T, p.Glu118Ter (NM_001308122.2); short protein forms E118*.
Identifiers: ClinVar variation 2755942 (VCV002755942.3), dbSNP rs2532089906, ClinGen allele CA360802876.

ClinVar aggregate classification (germline): Pathogenic (1 of 4 stars; one submission).

Conditions:
Renal carnitine transport defect (CDSP). Also called: Primary carnitine deficiency; Systemic primary carnitine deficiency; CARNITINE DEFICIENCY, SYSTEMIC, DUE TO DEFECT IN RENAL REABSORPTION OF CARNITINE; CARNITINE TRANSPORTER, PLASMA-MEMBRANE, DEFICIENCY OF; CARNITINE UPTAKE DEFECT; Carnitine transporter deficiency. Identifiers: Orphanet 158, MedGen C0342788, MONDO:0008919, OMIM 212140.

Submission:

Labcorp Genetics (formerly Invitae), Labcorp
Classification: Pathogenic for Renal carnitine transport defect. Last evaluated: 2023-08-29. Review status: criteria provided, single submitter. Criteria: Invitae Variant Classification Sherloc (09022015). Collection method: clinical testing. Allele origin: germline.
Comment: This sequence change creates a premature translational stop signal (p.Glu118*) in the SLC22A5 gene. It is expected to result in an absent or disrupted protein product. Loss-of-function variants in SLC22A5 are known to be pathogenic (PMID: 9916797). For these reasons, this variant has been classified as Pathogenic. This variant has not been reported in the literature in individuals affected with SLC22A5-related conditions. This variant is not present in population databases (gnomAD no frequency).

Literature cited by the submitters: PubMed 9916797.